The following is an entry in ClinVar:

NM_001002294.3(FMO3):c.321+1G>T

Gene: FMO3 (flavin containing dimethylaniline monoxygenase 3; plus strand). Cytogenetic location: 1q24.3.
Variant type: single nucleotide variant.
Coding change: c.321+1G>T on transcript NM_001002294.3 (MANE Select); the canonical splice donor site of the intron after coding-DNA position 321, G replaced by T.
Molecular consequence: splice donor variant. On other transcripts: intron variant (1).
Genome position (GRCh38, 1-based): chr1:171,103,974, G>T. VCF-style: chr1-171103974-G-T. GRCh37 (hg19) VCF-style: chr1-171073115-G-T.
Other names: c.133-3701G>T (NM_001319174.2); c.261+1G>T (NM_001319173.2); c.321+1G>T (NM_006894.6).
Identifiers: ClinVar variation 2837854 (VCV002837854.3), dbSNP rs756477043, ClinGen allele CA1240502.

ClinVar aggregate classification (germline): Likely pathogenic (1 of 4 stars; one submission).

Allele frequency attached by ClinVar (database versions not stated): ExAC 0.00001.

Submission:

Labcorp Genetics (formerly Invitae), Labcorp
Classification: Likely pathogenic. Last evaluated: 2023-02-16. Review status: criteria provided, single submitter. Criteria: Invitae Variant Classification Sherloc (09022015). Collection method: clinical testing. Allele origin: germline.
Comment: This variant is not present in population databases (gnomAD no frequency). This sequence change affects a donor splice site in intron 3 of the FMO3 gene. It is expected to disrupt RNA splicing. Variants that disrupt the donor or acceptor splice site typically lead to a loss of protein function (PMID: 16199547), and loss-of-function variants in FMO3 are known to be pathogenic (PMID: 20301282). This variant has not been reported in the literature in individuals affected with FMO3-related conditions. In summary, the currently available evidence indicates that the variant is pathogenic, but additional data are needed to prove that conclusively. Therefore, this variant has been classified as Likely Pathogenic.

Literature cited by the submitters: PubMed 16199547; PubMed 20301282.